The following is an entry in ClinVar:

NM_004100.5(EYA4):c.1196C>T (p.Pro399Leu)

Genes: EYA4 (EYA transcriptional coactivator and phosphatase 4; plus strand), TARID (TCF21 antisense RNA inducing promoter demethylation; minus strand), LOC126859796 (MED14-independent group 3 enhancer GRCh37_chr6:133826289-133827488; plus strand). Cytogenetic location: 6q23.2.
Variant type: single nucleotide variant.
Coding change: c.1196C>T on transcript NM_004100.5 (MANE Select); coding-DNA position 1196, C replaced by T.
Protein change: p.Pro399Leu; replaces proline 399 with leucine.
Molecular consequence: missense variant. On other transcripts: non-coding transcript variant (1).
Genome position (GRCh38, 1-based): chr6:133,506,110, C>T. VCF-style: chr6-133506110-C-T. GRCh37 (hg19) VCF-style: chr6-133827248-C-T.
Other names: c.1034C>T, p.Pro345Leu (NM_001301012.2); c.1214C>T, p.Pro405Leu (NM_001301013.2); c.1127C>T, p.Pro376Leu (NM_001370458.1, NM_172103.4); c.1052C>T, p.Pro351Leu (NM_001370459.1); c.1196C>T, p.Pro399Leu (NM_172105.4); short protein forms P351L, P405L, P345L, P399L, P376L.
Identifiers: ClinVar variation 1746071 (VCV001746071.2), dbSNP rs2535223051, ClinGen allele CA365713384.

ClinVar aggregate classification (germline): Uncertain significance (1 of 4 stars; one submission).

Conditions:
Cardiovascular phenotype. Identifiers: MedGen CN230736.

gnomAD v4.1: 1 of 1,594,722 alleles (0.000063%); no homozygotes.

Submission:

Ambry Genetics
Classification: Uncertain significance for Cardiovascular phenotype. Last evaluated: 2021-11-19. Review status: criteria provided, single submitter. Criteria: Ambry Variant Classification Scheme 2023. Collection method: clinical testing. Allele origin: germline.
Comment: The p.P399L variant (also known as c.1196C>T), located in coding exon 13 of the EYA4 gene, results from a C to T substitution at nucleotide position 1196. The proline at codon 399 is replaced by leucine, an amino acid with similar properties. This amino acid position is conserved. In addition, the in silico prediction for this alteration is inconclusive. Since supporting evidence is limited at this time, the clinical significance of this alteration remains unclear.